The following is an entry in ClinVar:

NM_007294.4(BRCA1):c.2655C>A (p.Phe885Leu)

Gene: BRCA1 (BRCA1 DNA repair associated; minus strand). Cytogenetic location: 17q21.31.
Variant type: single nucleotide variant.
Coding change: c.2655C>A on transcript NM_007294.4 (MANE Select); coding-DNA position 2655, C replaced by A.
Protein change: p.Phe885Leu; replaces phenylalanine 885 with leucine.
Molecular consequence: missense variant. On other transcripts: intron variant (137).
Genome position (GRCh38, 1-based): chr17:43,092,876, G>T on the plus strand (C>A on the coding strand, the complement: BRCA1 is on the minus strand). VCF-style: chr17-43092876-G-T. GRCh37 (hg19) VCF-style: chr17-41244893-G-T.
Other names: c.2442C>A, p.Phe814Leu (NM_001407571.1, NM_001407853.1, NM_001407894.1 and 9 more transcripts); c.2655C>A, p.Phe885Leu (NM_001407581.1, NM_001407582.1, NM_001407583.1 and 30 more transcripts); c.2652C>A, p.Phe884Leu (NM_001407587.1, NM_001407590.1, NM_001407591.1 and 22 more transcripts); c.2646C>A, p.Phe882Leu (NM_001407646.1, NM_001407647.1); c.2532C>A, p.Phe844Leu (NM_001407648.1, NM_001407664.1, NM_001407665.1 and 19 more transcripts); c.2529C>A, p.Phe843Leu (NM_001407649.1, NM_001407670.1, NM_001407671.1 and 11 more transcripts); c.2577C>A, p.Phe859Leu (NM_001407653.1, NM_001407654.1, NM_001407655.1 and 4 more transcripts); c.2574C>A, p.Phe858Leu (NM_001407659.1, NM_001407660.1, NM_001407661.1 and 1 more transcripts); and 41 more; short protein forms F758L, F773L, F844L, F858L, F884L, F717L, F774L, F797L.
Identifiers: ClinVar variation 2133946 (VCV002133946.6), dbSNP rs2552185651, ClinGen allele CA10596684.

ClinVar aggregate classification (germline): Conflicting classifications of pathogenicity. Review status: criteria provided, conflicting classifications (1 of 4 stars). 2 submissions from 2 submitters: Uncertain significance (1); Likely benign (1). Last evaluated 2023-03-23.

Conditions:
Hereditary breast ovarian cancer syndrome. Also called: Hereditary breast and ovarian cancer; Hereditary breast and/or ovarian cancer syndrome; Hereditary breast and ovarian cancer syndrome (HBOC); Breast and ovarian cancer; Hereditary breast and ovarian cancer syndrome; BRCA1- and BRCA2-Associated Hereditary Breast and Ovarian Cancer. Identifiers: Orphanet 145, MedGen C0677776, MeSH D061325, MONDO:0003582. Disease mechanism: loss of function.
Hereditary cancer-predisposing syndrome. Also called: Hereditary neoplastic syndrome; Hereditary Cancer Syndrome; Tumor predisposition; Neoplastic Syndromes, Hereditary. Identifiers: Orphanet 140162, MedGen C0027672, MeSH D009386, MONDO:0015356.

Submissions (2):

University of Washington Department of Laboratory Medicine, University of Washington
Classification: Likely benign for Hereditary cancer-predisposing syndrome. Last evaluated: 2023-03-23. Review status: criteria provided, single submitter. Criteria: Dines et al. (Genet Med. 2020). Collection method: curation. Allele origin: germline.
Comment: Missense variant in a coldspot region where missense variants are very unlikely to be pathogenic (PMID:31911673).

BRCA1 coldspot (exon 11 using historical exon numbering). Reclassification based on statistical prior probability

Labcorp Genetics (formerly Invitae), Labcorp
Classification: Uncertain significance for Hereditary breast ovarian cancer syndrome. Last evaluated: 2022-05-04. Review status: criteria provided, single submitter. Criteria: Invitae Variant Classification Sherloc (09022015). Collection method: clinical testing. Allele origin: germline.
Comment: This sequence change replaces phenylalanine, which is neutral and non-polar, with leucine, which is neutral and non-polar, at codon 885 of the BRCA1 protein (p.Phe885Leu). This variant is not present in population databases (gnomAD no frequency). This variant has not been reported in the literature in individuals affected with BRCA1-related conditions. Advanced modeling of protein sequence and biophysical properties (such as structural, functional, and spatial information, amino acid conservation, physicochemical variation, residue mobility, and thermodynamic stability) performed at Invitae indicates that this missense variant is not expected to disrupt BRCA1 protein function. In summary, the available evidence is currently insufficient to determine the role of this variant in disease. Therefore, it has been classified as a Variant of Uncertain Significance.